The following is an entry in ClinVar:

ClinVar aggregate classification (germline): Likely benign (0 of 4 stars; one submission).

Conditions:
ATP5F1D-related disorder. Also called: ATP5F1D-related condition.

Allele frequency attached by ClinVar (database versions not stated): TOPMed 0.00001.
gnomAD v4.1: 5 of 1,611,396 alleles (0.00031%); highest among the groups gnomAD compares: Admixed American, 0.0033%; no homozygotes.

Submission:

PreventionGenetics, part of Exact Sciences
Classification: Likely benign for ATP5F1D-related condition. Last evaluated: 2020-07-17. Review status: no assertion criteria provided. Collection method: clinical testing. Allele origin: germline.
Comment: This variant is classified as likely benign based on ACMG/AMP sequence variant interpretation guidelines (Richards et al. 2015 PMID: 25741868, with internal and published modifications).

NM_001687.5(ATP5F1D):c.315A>G (p.Ala105=)

Gene: ATP5F1D (ATP synthase F1 subunit delta; plus strand). Cytogenetic location: 19p13.3.
Variant type: single nucleotide variant.
Coding change: c.315A>G on transcript NM_001687.5 (MANE Select); coding-DNA position 315, A replaced by G.
Protein change: p.Ala105=; no amino-acid change (alanine 105 retained).
Molecular consequence: synonymous variant.
Genome position (GRCh38, 1-based): chr19:1,244,116, A>G. VCF-style: chr19-1244116-A-G. GRCh37 (hg19) VCF-style: chr19-1244115-A-G.
Other names: c.315A>G, p.Ala105= (NM_001001975.2).
Identifiers: ClinVar variation 3036061 (VCV003036061.2), dbSNP rs1018726056, ClinGen allele CA304014224.